The following is an entry in ClinVar:

ClinVar aggregate classification (germline): Uncertain significance (1 of 4 stars; one submission).

Conditions:
Adenylosuccinate lyase deficiency (ADSLD). Also called: ADSL DEFICIENCY. Identifiers: Orphanet 46, MedGen C0268126, MONDO:0007068, OMIM 103050.

Allele frequency attached by ClinVar (database versions not stated): ExAC 0.00001; gnomAD 0.00001.
gnomAD v4.1: 1 of 1,614,066 alleles (0.000062%); highest among the groups gnomAD compares: Non-Finnish European, 0.000085%; no homozygotes.

Submission:

Labcorp Genetics (formerly Invitae), Labcorp
Classification: Uncertain significance for Adenylosuccinate lyase deficiency. Last evaluated: 2021-08-28. Review status: criteria provided, single submitter. Criteria: Invitae Variant Classification Sherloc (09022015). Collection method: clinical testing. Allele origin: germline.
Comment: This sequence change replaces threonine with isoleucine at codon 204 of the ADSL protein (p.Thr204Ile). The threonine residue is highly conserved and there is a moderate physicochemical difference between threonine and isoleucine. This variant is present in population databases (rs745524617, ExAC 0.001%). This variant has not been reported in the literature in individuals affected with ADSL-related conditions. Algorithms developed to predict the effect of missense changes on protein structure and function (SIFT, PolyPhen-2, Align-GVGD) all suggest that this variant is likely to be disruptive. In summary, the available evidence is currently insufficient to determine the role of this variant in disease. Therefore, it has been classified as a Variant of Uncertain Significance.

NM_000026.4(ADSL):c.611C>T (p.Thr204Ile)

Gene: ADSL (adenylosuccinate lyase; plus strand). Cytogenetic location: 22q13.1.
Variant type: single nucleotide variant.
Coding change: c.611C>T on transcript NM_000026.4 (MANE Select); coding-DNA position 611, C replaced by T.
Protein change: p.Thr204Ile; replaces threonine 204 with isoleucine.
Molecular consequence: missense variant. On other transcripts: non-coding transcript variant (1).
Genome position (GRCh38, 1-based): chr22:40,358,992, C>T. VCF-style: chr22-40358992-C-T. GRCh37 (hg19) VCF-style: chr22-40754996-C-T.
Other names: c.611C>T, p.Thr204Ile (NM_001123378.3, NM_001363840.3); c.419C>T, p.Thr140Ile (NM_001317923.2); short protein forms T204I, T140I.
Identifiers: ClinVar variation 1490964 (VCV001490964.5), dbSNP rs745524617, ClinGen allele CA10247765.